The following is an entry in ClinVar:

ClinVar aggregate classification (germline): Uncertain significance. Review status: criteria provided, multiple submitters, no conflicts (2 of 4 stars). 2 submissions from 2 submitters: Uncertain significance (2). Last evaluated 2025-09-10.

Allele frequency attached by ClinVar (database versions not stated): gnomAD exomes below 0.00001 and 0.00002; ExAC 0.00002; gnomAD 0.00004 and 0.00005; TOPMed 0.00005.

Submissions (2):

Labcorp Genetics (formerly Invitae), Labcorp
Classification: Uncertain significance. Last evaluated: 2025-09-10. Review status: criteria provided, single submitter. Criteria: Invitae Variant Classification Sherloc (09022015). Collection method: clinical testing. Allele origin: germline.
Comment: This sequence change replaces glutamine, which is neutral and polar, with arginine, which is basic and polar, at codon 125 of the A2ML1 protein (p.Gln125Arg). This variant is present in population databases (rs776142486, gnomAD 0.02%). This variant has not been reported in the literature in individuals affected with A2ML1-related conditions. ClinVar contains an entry for this variant (Variation ID: 1449391). An algorithm developed to predict the effect of missense changes on protein structure and function (PolyPhen-2) suggests that this variant is likely to be disruptive. In summary, the available evidence is currently insufficient to determine the role of this variant in disease. Therefore, it has been classified as a Variant of Uncertain Significance.

Ambry Genetics
Classification: Uncertain significance. Last evaluated: 2023-11-01. Review status: criteria provided, single submitter. Criteria: Ambry Variant Classification Scheme 2023. Collection method: clinical testing. Allele origin: germline.
Comment: The p.Q125R variant (also known as c.374A>G), located in coding exon 3 of the A2ML1 gene, results from an A to G substitution at nucleotide position 374. The glutamine at codon 125 is replaced by arginine, an amino acid with highly similar properties. This amino acid position is conserved. In addition, this alteration is predicted to be deleterious by in silico analysis. Since supporting evidence is limited at this time, the clinical significance of this alteration remains unclear.

NM_144670.6(A2ML1):c.374A>G (p.Gln125Arg)

Genes: A2ML1 (alpha-2-macroglobulin like 1; plus strand), A2ML1-AS1 (A2ML1 antisense RNA 1; minus strand). Cytogenetic location: 12p13.31.
Variant type: single nucleotide variant.
Coding change: c.374A>G on transcript NM_144670.6 (MANE Select); coding-DNA position 374, A replaced by G.
Protein change: p.Gln125Arg; replaces glutamine 125 with arginine.
Molecular consequence: missense variant.
Genome position (GRCh38, 1-based): chr12:8,823,847, A>G. VCF-style: chr12-8823847-A-G. GRCh37 (hg19) VCF-style: chr12-8976443-A-G.
Other names: short protein forms Q125R.
Identifiers: ClinVar variation 1449391 (VCV001449391.11), dbSNP rs776142486, ClinGen allele CA6435247.